The following is an entry in ClinVar:

ClinVar aggregate classification (germline): Uncertain significance (1 of 4 stars; one submission).

Conditions:
Hereditary nonpolyposis colorectal neoplasms. Identifiers: MedGen C0009405, MeSH D003123.

Submission:

Labcorp Genetics (formerly Invitae), Labcorp
Classification: Uncertain significance for Hereditary nonpolyposis colorectal neoplasms. Last evaluated: 2022-08-23. Review status: criteria provided, single submitter. Criteria: Invitae Variant Classification Sherloc (09022015). Collection method: clinical testing. Allele origin: germline.
Comment: This sequence change replaces tyrosine, which is neutral and polar, with histidine, which is basic and polar, at codon 436 of the MSH6 protein (p.Tyr436His). This variant is not present in population databases (gnomAD no frequency). This variant has not been reported in the literature in individuals affected with MSH6-related conditions. ClinVar contains an entry for this variant (Variation ID: 1433974). Advanced modeling of protein sequence and biophysical properties (such as structural, functional, and spatial information, amino acid conservation, physicochemical variation, residue mobility, and thermodynamic stability) performed at Invitae indicates that this missense variant is expected to disrupt MSH6 protein function. In summary, the available evidence is currently insufficient to determine the role of this variant in disease. Therefore, it has been classified as a Variant of Uncertain Significance.

NM_000179.3(MSH6):c.1306T>C (p.Tyr436His)

Gene: MSH6 (mutS homolog 6; plus strand). Cytogenetic location: 2p16.3.
Variant type: single nucleotide variant.
Coding change: c.1306T>C on transcript NM_000179.3 (MANE Select); coding-DNA position 1306, T replaced by C.
Protein change: p.Tyr436His; replaces tyrosine 436 with histidine.
Molecular consequence: missense variant.
Genome position (GRCh38, 1-based): chr2:47,799,289, T>C. VCF-style: chr2-47799289-T-C. GRCh37 (hg19) VCF-style: chr2-48026428-T-C.
Other names: c.916T>C, p.Tyr306His (NM_001281492.2); c.400T>C, p.Tyr134His (NM_001281493.2, NM_001281494.2); short protein forms Y306H, Y436H, Y134H.
Identifiers: ClinVar variation 1433974 (VCV001433974.6), dbSNP rs1669318008, ClinGen allele CA346744316.